The following is an entry in ClinVar:

NM_000147.5(FUCA1):c.655G>T (p.Val219Phe)

Gene: FUCA1 (alpha-L-fucosidase 1; minus strand). Cytogenetic location: 1p36.11.
Variant type: single nucleotide variant.
Coding change: c.655G>T on transcript NM_000147.5 (MANE Select); coding-DNA position 655, G replaced by T.
Protein change: p.Val219Phe; replaces valine 219 with phenylalanine.
Molecular consequence: missense variant. On other transcripts: non-coding transcript variant (4).
Genome position (GRCh38, 1-based): chr1:23,863,141, C>A on the plus strand (G>T on the coding strand, the complement: FUCA1 is on the minus strand). VCF-style: chr1-23863141-C-A. GRCh37 (hg19) VCF-style: chr1-24189631-C-A.
Other names: short protein forms V219F.
Identifiers: ClinVar variation 2125214 (VCV002125214.4), dbSNP rs1639544116, ClinGen allele CA339005749.
Genomic context (GRCh38, chr1:23,863,141, plus strand): 5'-AGCTCTGATTTCATTGATAAAAGTCATAGGGCCAAAATATTTCAGTGTCTTACCTGTTAA[C>A]AAGGTCGTACAGCTCTGGCATTGTTTTTGCACTGACAAAATGCTGTGTTTTGAAGCCATT-3'
Protein context (NP_000138.2, residues 209-229): AKTMPELYDL[Val219Phe]NSYKPDLIWS

ClinVar aggregate classification (germline): Uncertain significance (1 of 4 stars; one submission).

Conditions:
Fucosidosis. Also called: ALPHA-L-FUCOSIDASE DEFICIENCY. Identifiers: Orphanet 349, MedGen C0016788, MONDO:0009254, OMIM 230000.

Submission:

Labcorp Genetics (formerly Invitae), Labcorp
Classification: Uncertain significance for Fucosidosis. Last evaluated: 2022-04-20. Review status: criteria provided, single submitter. Criteria: Invitae Variant Classification Sherloc (09022015). Collection method: clinical testing. Allele origin: germline.
Comment: This sequence change replaces valine, which is neutral and non-polar, with phenylalanine, which is neutral and non-polar, at codon 219 of the FUCA1 protein (p.Val219Phe). In summary, the available evidence is currently insufficient to determine the role of this variant in disease. Therefore, it has been classified as a Variant of Uncertain Significance. Algorithms developed to predict the effect of missense changes on protein structure and function are either unavailable or do not agree on the potential impact of this missense change (SIFT: "Deleterious"; PolyPhen-2: "Possibly Damaging"; Align-GVGD: "Class C0"). This variant has not been reported in the literature in individuals affected with FUCA1-related conditions. This variant is not present in population databases (gnomAD no frequency).